The following is an entry in ClinVar:

ClinVar aggregate classification (germline): Likely pathogenic. Review status: criteria provided, single submitter (1 of 4 stars). 2 submissions from 2 submitters: Likely pathogenic (1). 1 of the submissions does not count toward it. Last evaluated 2026-07-25.

Conditions:
MC4R-related disorder. Also called: MC4R-related condition.
BODY MASS INDEX QUANTITATIVE TRAIT LOCUS 20 (BMIQ20). Also called: MELANOCORTIN 4 RECEPTOR DEFICIENCY; MC4R DEFICIENCY. Identifiers: MedGen C4759928, OMIM 618406.

Submissions (2):

PreventionGenetics, part of Exact Sciences
Classification: Likely pathogenic for MC4R-related condition. Last evaluated: 2026-07-25. Review status: criteria provided, single submitter. Criteria: ACMG Guidelines, 2015. Collection method: clinical testing. Allele origin: germline.
Comment: The MC4R c.374_375delinsAA variant is predicted to result in an in-frame deletion and insertion. This variant has been reported in the heterozygous state in individuals with obesity and segregated with disease in multiple families (see, for example: Yeo et al. 2003. PubMed ID: 12588803; Farooqi et al. 2003. PubMed ID: 12646665; van der Klaauw et al. 2014. PubMed ID: 25062455). Functional studies including pharmacological rescue experiments showed that this variant reduced ligand-stimulated cyclic AMP (cAMP) response (Yeo et al. 2003. PubMed ID: 12588803; René et al. 2010. PubMed ID: 20826565; He et al. 2014. PubMed ID: 25332687). This variant has not been reported in a large population database, indicating it is rare. This variant is interpreted as likely pathogenic.

OMIM
Classification: Pathogenic for OBESITY (BMIQ20). Last evaluated: 2003-03-20. Review status: no assertion criteria provided. Collection method: literature only. Allele origin: germline. Not counted in ClinVar's aggregate classification.

Literature cited by the submitters: PubMed 12646665 (cited by OMIM); PubMed 12588803 (cited by OMIM).

NM_005912.3(MC4R):c.374_375inv (p.Ile125Lys)

Gene: MC4R (melanocortin 4 receptor; minus strand). Cytogenetic location: 18q21.32.
Variant type: Inversion.
Coding change: c.374_375inv on transcript NM_005912.3 (MANE Select).
Protein change: p.Ile125Lys; replaces isoleucine 125 with lysine.
Molecular consequence: missense variant.
Genome position: GRCh38 VCF-style: chr18-60371975-AA-TT. GRCh37 (hg19) VCF-style: chr18-58039208-AA-TT.
Other names: I125K; c.374_375delinsAA (NM_005912.2).
Identifiers: ClinVar variation 14328 (VCV000014328.4), ClinGen allele CA2580095967.